The following is an entry in ClinVar:

ClinVar aggregate classification (germline): Uncertain significance. Review status: criteria provided, multiple submitters, no conflicts (2 of 4 stars). 2 submissions from 2 submitters: Uncertain significance (2). Last evaluated 2023-12-21.

Conditions:
Inborn genetic diseases. Identifiers: MedGen C0950123, MeSH D030342.
Nephronophthisis 18 (NPHP18). Identifiers: Orphanet 655, MedGen C3890591, MONDO:0014374, OMIM 615862.

Allele frequency attached by ClinVar (database versions not stated): gnomAD exomes 0.00001; gnomAD 0.00003 and 0.00004; TOPMed 0.00004.
gnomAD v4.1: 20 of 1,612,170 alleles (0.0012%); highest among the groups gnomAD compares: Admixed American, 0.013%; no homozygotes.

Submissions (2):

Ambry Genetics
Classification: Uncertain significance for Inborn genetic diseases. Last evaluated: 2023-12-21. Review status: criteria provided, single submitter. Criteria: Ambry Variant Classification Scheme 2023. Collection method: clinical testing. Allele origin: germline.

Labcorp Genetics (formerly Invitae), Labcorp
Classification: Uncertain significance for Nephronophthisis 18. Last evaluated: 2022-07-18. Review status: criteria provided, single submitter. Criteria: Invitae Variant Classification Sherloc (09022015). Collection method: clinical testing. Allele origin: germline.
Comment: This sequence change replaces proline, which is neutral and non-polar, with leucine, which is neutral and non-polar, at codon 17 of the CEP83 protein (p.Pro17Leu). The frequency data for this variant in the population databases is considered unreliable, as metrics indicate poor data quality at this position in the gnomAD database. This variant has not been reported in the literature in individuals affected with CEP83-related conditions. ClinVar contains an entry for this variant (Variation ID: 1395790). Algorithms developed to predict the effect of missense changes on protein structure and function are either unavailable or do not agree on the potential impact of this missense change (SIFT: "Not Available"; PolyPhen-2: "Probably Damaging"; Align-GVGD: "Not Available"). In summary, the available evidence is currently insufficient to determine the role of this variant in disease. Therefore, it has been classified as a Variant of Uncertain Significance.

NM_016122.3(CEP83):c.50C>T (p.Pro17Leu)

Gene: CEP83 (centrosomal protein 83; minus strand). Cytogenetic location: 12q22.
Variant type: single nucleotide variant.
Coding change: c.50C>T on transcript NM_016122.3 (MANE Select); coding-DNA position 50, C replaced by T.
Protein change: p.Pro17Leu; replaces proline 17 with leucine.
Molecular consequence: missense variant. On other transcripts: non-coding transcript variant (1), intron variant (6).
Genome position (GRCh38, 1-based): chr12:94,412,441, G>A on the plus strand (C>T on the coding strand, the complement: CEP83 is on the minus strand). VCF-style: chr12-94412441-G-A. GRCh37 (hg19) VCF-style: chr12-94806217-G-A.
Other names: c.50C>T, p.Pro17Leu (NM_001042399.2, NM_001346457.2, NM_001346460.2 and 4 more transcripts); c.-140+76C>T (NM_001346459.2, NM_001346458.2, NM_001368040.1 and 3 more transcripts); c.50C>T (NM_016122.2); short protein forms P17L.
Identifiers: ClinVar variation 1395790 (VCV001395790.6), dbSNP rs980569493, ClinGen allele CA242066998.